The following is an entry in ClinVar:

ClinVar aggregate classification (germline): Likely benign (1 of 4 stars; one submission).

gnomAD v4.1: 58 of 1,613,720 alleles (0.0036%); highest among the groups gnomAD compares: Middle Eastern, 0.016%; no homozygotes.

Submission:

CeGaT Center for Human Genetics Tuebingen
Classification: Likely benign. Last evaluated: 2025-12-01. Review status: criteria provided, single submitter. Criteria: CeGaT Center For Human Genetics Tuebingen Variant Classification Criteria Version 2. Collection method: clinical testing. Allele origin: germline. Affected: yes. Observed: 1 variant allele.
Comment: SUZ12: BS1

NM_015355.4(SUZ12):c.1109C>T (p.Thr370Met)

Gene: SUZ12 (SUZ12 polycomb repressive complex 2 subunit; plus strand). Cytogenetic location: 17q11.2.
Variant type: single nucleotide variant.
Coding change: c.1109C>T on transcript NM_015355.4 (MANE Select); coding-DNA position 1109, C replaced by T.
Protein change: p.Thr370Met; replaces threonine 370 with methionine.
Molecular consequence: missense variant.
Genome position (GRCh38, 1-based): chr17:31,988,405, C>T. VCF-style: chr17-31988405-C-T. GRCh37 (hg19) VCF-style: chr17-30315424-C-T.
Other names: c.1040C>T, p.Thr347Met (NM_001321207.2); short protein forms T347M, T370M.
Identifiers: ClinVar variation 4681483 (VCV004681483.5).